The following is an entry in ClinVar:

ClinVar aggregate classification (germline): Benign (1 of 4 stars; one submission).

Allele frequency attached by ClinVar (database versions not stated): gnomAD 0.05890 and 0.06331; 1000 Genomes Project 0.06130; 1000 Genomes Project 30x 0.06387; TOPMed 0.06712.
gnomAD v4.1: 8,867 of 152,186 alleles (5.8%); highest among the groups gnomAD compares: African/African-American, 20%; 882 homozygotes.

Submission:

GeneDx
Classification: Benign. Last evaluated: 2018-06-16. Review status: criteria provided, single submitter. Criteria: GeneDx Variant Classification (06012015). Collection method: clinical testing. Allele origin: germline. Affected: yes.
Comment: This variant is considered likely benign or benign based on one or more of the following criteria: it is a conservative change, it occurs at a poorly conserved position in the protein, it is predicted to be benign by multiple in silico algorithms, and/or has population frequency not consistent with disease.

NM_002206.3(ITGA7):c.2844+189G>C

Gene: ITGA7 (integrin subunit alpha 7; minus strand). Cytogenetic location: 12q13.2.
Variant type: single nucleotide variant.
Coding change: c.2844+189G>C on transcript NM_002206.3 (MANE Select); 189 bases into the intron after coding-DNA position 2844, G replaced by C.
Molecular consequence: intron variant.
Genome position (GRCh38, 1-based): chr12:55,692,655, C>G on the plus strand (G>C on the coding strand, the complement: ITGA7 is on the minus strand). VCF-style: chr12-55692655-C-G. GRCh37 (hg19) VCF-style: chr12-56086439-C-G.
Other names: c.2565+189G>C (NM_001144997.2); c.2517+189G>C (NM_001367993.1); c.2505+189G>C (NM_001414035.1); c.2661+189G>C (NM_001414033.1); c.1500+189G>C (NM_001367994.1); c.2724+189G>C (NM_001414032.1); c.2757+189G>C (NM_001414031.1); c.2826+189G>C (NM_001374465.1); and 5 more.
Identifiers: ClinVar variation 682026 (VCV000682026.1), dbSNP rs77735170, ClinGen allele CA237563245.
Genomic context (GRCh38, chr12:55,692,655, plus strand): 5'-GTGAATCAATTGCTTGGCTAACTAACTGGCTTCAGGTGGAGTGACCTGTTCTAGAGTGAG[C>G]AATTGCAGGGGCTGAGCAGGAAGGGGGTCTGCAGTGTCAGTAGCTGCCTCCCGGGCACCC-3'